The following is an entry in ClinVar:

NM_015559.3(SETBP1):c.2714T>C (p.Ile905Thr)

Gene: SETBP1 (SET binding protein 1; plus strand). Cytogenetic location: 18q12.3.
Variant type: single nucleotide variant.
Coding change: c.2714T>C on transcript NM_015559.3 (MANE Select); coding-DNA position 2714, T replaced by C.
Protein change: p.Ile905Thr; replaces isoleucine 905 with threonine.
Molecular consequence: missense variant.
Genome position (GRCh38, 1-based): chr18:44,952,054, T>C. VCF-style: chr18-44952054-T-C. GRCh37 (hg19) VCF-style: chr18-42532019-T-C.
Other names: c.2714T>C, p.Ile905Thr (NM_001379141.1, NM_001379142.1, NM_001410862.1); short protein forms I905T.
Identifiers: ClinVar variation 3651942 (VCV003651942.2).

ClinVar aggregate classification (germline): Uncertain significance (1 of 4 stars; one submission).

gnomAD v4.1: 3 of 1,614,054 alleles (0.00019%); highest among the groups gnomAD compares: South Asian, 0.0033%; no homozygotes.

Submission:

Labcorp Genetics (formerly Invitae), Labcorp
Classification: Uncertain significance. Last evaluated: 2025-04-07. Review status: criteria provided, single submitter. Criteria: Invitae Variant Classification Sherloc (09022015). Collection method: clinical testing. Allele origin: germline.
Comment: This sequence change replaces isoleucine, which is neutral and non-polar, with threonine, which is neutral and polar, at codon 905 of the SETBP1 protein (p.Ile905Thr). This variant is present in population databases (rs773575184, gnomAD 0.003%). This variant has not been reported in the literature in individuals affected with SETBP1-related conditions. ClinVar contains an entry for this variant (Variation ID: 3651942). Invitae Evidence Modeling of protein sequence and biophysical properties (such as structural, functional, and spatial information, amino acid conservation, physicochemical variation, residue mobility, and thermodynamic stability) indicates that this missense variant is not expected to disrupt SETBP1 protein function with a negative predictive value of 80%. In summary, the available evidence is currently insufficient to determine the role of this variant in disease. Therefore, it has been classified as a Variant of Uncertain Significance.